The following is an entry in ClinVar:

ClinVar aggregate classification (germline): Pathogenic (1 of 4 stars; one submission).

Conditions:
Osteogenesis imperfecta type I (OI1). Also called: Lobstein disease; OI, TYPE I; OSTEOGENESIS IMPERFECTA TARDA; OSTEOGENESIS IMPERFECTA WITH BLUE SCLERAE; Osteogenesis imperfecta type 1; Classic Non-deforming Osteogenesis Imperfecta with Blue Sclerae. Identifiers: Orphanet 216796, Orphanet 666, MedGen C0023931, MONDO:0008146, OMIM 166200. Disease mechanism: loss of function.

Submission:

Labcorp Genetics (formerly Invitae), Labcorp
Classification: Pathogenic for Osteogenesis imperfecta type I. Last evaluated: 2023-07-14. Review status: criteria provided, single submitter. Criteria: Invitae Variant Classification Sherloc (09022015). Collection method: clinical testing. Allele origin: germline.
Comment: This sequence change affects an acceptor splice site in intron 49 of the COL1A1 gene. It is expected to disrupt RNA splicing. Variants that disrupt the donor or acceptor splice site typically lead to a loss of protein function (PMID: 16199547), and loss-of-function variants in COL1A1 are known to be pathogenic (PMID: 7942841, 9295084, 9443882). This variant is not present in population databases (gnomAD no frequency). Disruption of this splice site has been observed in individuals with clinical features of osteogenesis imperfecta (PMID: 26799614; Invitae). ClinVar contains an entry for this variant (Variation ID: 2027759). Algorithms developed to predict the effect of sequence changes on RNA splicing suggest that this variant may disrupt the consensus splice site. For these reasons, this variant has been classified as Pathogenic.

Literature cited by the submitters: PubMed 16199547; PubMed 7942841; PubMed 9295084; PubMed 9443882; PubMed 26799614.

NM_000088.4(COL1A1):c.4006-2A>G

Gene: COL1A1 (collagen type I alpha 1 chain; minus strand). Cytogenetic location: 17q21.33.
Variant type: single nucleotide variant.
Coding change: c.4006-2A>G on transcript NM_000088.4 (MANE Select); the canonical splice acceptor site of the intron before coding-DNA position 4006, A replaced by G.
Molecular consequence: splice acceptor variant.
Genome position (GRCh38, 1-based): chr17:50,186,022, T>C on the plus strand (A>G on the coding strand, the complement: COL1A1 is on the minus strand). VCF-style: chr17-50186022-T-C. GRCh37 (hg19) VCF-style: chr17-48263383-T-C.
Identifiers: ClinVar variation 2027759 (VCV002027759.4), dbSNP rs2509157723, ClinGen allele CA400192900.